The following is an entry in ClinVar:

NM_182641.4(BPTF):c.638G>A (p.Arg213Gln)

Gene: BPTF (bromodomain PHD finger transcription factor; plus strand). Cytogenetic location: 17q24.2.
Variant type: single nucleotide variant.
Coding change: c.638G>A on transcript NM_182641.4 (MANE Select); coding-DNA position 638, G replaced by A.
Protein change: p.Arg213Gln; replaces arginine 213 with glutamine.
Molecular consequence: missense variant.
Genome position (GRCh38, 1-based): chr17:67,853,964, G>A. VCF-style: chr17-67853964-G-A. GRCh37 (hg19) VCF-style: chr17-65850080-G-A.
Other names: c.638G>A, p.Arg213Gln (NM_004459.7); short protein forms R213Q.
Identifiers: ClinVar variation 2094160 (VCV002094160.17), dbSNP rs765262835, ClinGen allele CA8725046.
Genomic context (GRCh38, chr17:67,853,964, plus strand): 5'-TATTGATTTGTAATGATGTCACGTCTTTATCTACAGGTAGGCGAAAACCAAGAGTACATC[G>A]GCCTCGTTCTCCTATATTGGAAGAAAAAGACATCCCGCCCCTTGAATTTCCCAAGTCCTC-3'
Protein context (NP_872579.2, residues 203-223): TPGRRKPRVH[Arg213Gln]PRSPILEEKD

ClinVar aggregate classification (germline): Uncertain significance. Review status: criteria provided, multiple submitters, no conflicts (2 of 4 stars). 2 submissions from 2 submitters: Uncertain significance (2). Last evaluated 2024-12-01.

Allele frequency attached by ClinVar (database versions not stated): gnomAD exomes below 0.00001; ExAC 0.00001; gnomAD 0.00001; TOPMed 0.00001.
gnomAD v4.1: 5 of 1,611,964 alleles (0.00031%); highest among the groups gnomAD compares: Admixed American, 0.0017%; no homozygotes.

Submissions (2):

CeGaT Center for Human Genetics Tuebingen
Classification: Uncertain significance. Last evaluated: 2024-12-01. Review status: criteria provided, single submitter. Criteria: CeGaT Center For Human Genetics Tuebingen Variant Classification Criteria Version 2. Collection method: clinical testing. Allele origin: germline. Affected: yes. Observed: 1 variant allele.
Comment: BPTF: PM2, PP2

Labcorp Genetics (formerly Invitae), Labcorp
Classification: Uncertain significance. Last evaluated: 2022-02-21. Review status: criteria provided, single submitter. Criteria: Invitae Variant Classification Sherloc (09022015). Collection method: clinical testing. Allele origin: germline.
Comment: This sequence change replaces arginine, which is basic and polar, with glutamine, which is neutral and polar, at codon 213 of the BPTF protein (p.Arg213Gln). This variant is present in population databases (rs765262835, gnomAD 0.007%). This variant has not been reported in the literature in individuals affected with BPTF-related conditions. Algorithms developed to predict the effect of missense changes on protein structure and function are either unavailable or do not agree on the potential impact of this missense change (SIFT: "Tolerated"; PolyPhen-2: "Possibly Damaging"; Align-GVGD: "Class C0"). In summary, the available evidence is currently insufficient to determine the role of this variant in disease. Therefore, it has been classified as a Variant of Uncertain Significance.